The following is an entry in ClinVar:

NM_172351.3(CD46):c.166A>G (p.Ile56Val)

Gene: CD46 (CD46 molecule; plus strand). Cytogenetic location: 1q32.2.
Variant type: single nucleotide variant.
Coding change: c.166A>G on transcript NM_172351.3 (MANE Select); coding-DNA position 166, A replaced by G.
Protein change: p.Ile56Val; replaces isoleucine 56 with valine.
Molecular consequence: missense variant.
Genome position (GRCh38, 1-based): chr1:207,757,082, A>G. VCF-style: chr1-207757082-A-G. GRCh37 (hg19) VCF-style: chr1-207930427-A-G.
Other names: c.166A>G, p.Ile56Val (NM_002389.4, NM_153826.4, NM_172350.3 and 8 more transcripts); short protein forms I56V.
Identifiers: ClinVar variation 2786722 (VCV002786722.3), dbSNP rs2526399928, ClinGen allele CA344548048.

ClinVar aggregate classification (germline): Uncertain significance (1 of 4 stars; one submission).

Submission:

Labcorp Genetics (formerly Invitae), Labcorp
Classification: Uncertain significance. Last evaluated: 2024-01-25. Review status: criteria provided, single submitter. Criteria: Invitae Variant Classification Sherloc (09022015). Collection method: clinical testing. Allele origin: germline.
Comment: This sequence change replaces isoleucine, which is neutral and non-polar, with valine, which is neutral and non-polar, at codon 56 of the CD46 protein (p.Ile56Val). This variant is not present in population databases (gnomAD no frequency). This variant has not been reported in the literature in individuals affected with CD46-related conditions. Advanced modeling of protein sequence and biophysical properties (such as structural, functional, and spatial information, amino acid conservation, physicochemical variation, residue mobility, and thermodynamic stability) performed at Invitae indicates that this missense variant is not expected to disrupt CD46 protein function with a negative predictive value of 80%. In summary, the available evidence is currently insufficient to determine the role of this variant in disease. Therefore, it has been classified as a Variant of Uncertain Significance.